The following is an entry in ClinVar:

ClinVar aggregate classification (germline): Uncertain significance (1 of 4 stars; one submission).

Conditions:
Neurodevelopmental disorder with or without anomalies of the brain, eye, or heart (NEDBEH). Identifiers: Orphanet 494344, MedGen C5567477, MONDO:0014857, OMIM 616975.

Submission:

Breda Genetics srl
Classification: Uncertain significance for Neurodevelopmental disorder with or without anomalies of the brain, eye, or heart. Last evaluated: 2020-09-15. Review status: criteria provided, single submitter. Criteria: ACMG Guidelines, 2015. Collection method: clinical testing. Allele origin: germline. Inheritance: Autosomal dominant inheritance. Affected: yes. Observed: 1 variant allele, 1 heterozygote.
Comment: The variant c.3466G>T (p.Gly1156Trp) in the RERE gene has not been reported in dbSNP, gnomAD, 1000 Genomes, NHLI Exome Sequencing Project (ESP) or ClinVar. The nucleotide position is highly conserved across 35 mammalian species (GERP RS: 5.56). In silico analysis indicates that the variant might be damaging. Another de novo pathogenic missense variant, affecting the same nucleotide position, c.3466G>A (p.Gly1156Arg), has been reported by Fregeau et al. (2016) in a child with intrauterine growth retardation, global developmental delay, mild spastic quadriparesis, dysarthric speech, swallowing difficulties, bilateral optic colobomas and other eye abnormalities, mild sensorineural hearing loss, and brain MRI abnormalities (PMID: 27087320). Based on ACMG variant interpretation guidelines, we classify this variant as uncertain. However, based on the aforementioned evidence, there is a given likelihood that the variant may actually be pathogenic, even if we cannot exclude that it is a rare benign variant.

Literature cited by the submitters: PubMed 27087320.

NM_001042681.2(RERE):c.3466G>T (p.Gly1156Trp)

Gene: RERE (arginine-glutamic acid dipeptide repeats; minus strand). Cytogenetic location: 1p36.23.
Variant type: single nucleotide variant.
Coding change: c.3466G>T on transcript NM_001042681.2 (MANE Select); coding-DNA position 3466, G replaced by T.
Protein change: p.Gly1156Trp; replaces glycine 1156 with tryptophan.
Molecular consequence: missense variant.
Genome position (GRCh38, 1-based): chr1:8,359,916, C>A on the plus strand (G>T on the coding strand, the complement: RERE is on the minus strand). VCF-style: chr1-8359916-C-A. GRCh37 (hg19) VCF-style: chr1-8419976-C-A.
Other names: c.1804G>T, p.Gly602Trp (NM_001042682.2); c.3466G>T, p.Gly1156Trp (NM_012102.4); short protein forms G1156W, G602W.
Identifiers: ClinVar variation 986414 (VCV000986414.3), dbSNP rs766951273, ClinGen allele CA338170520.
Genomic context (GRCh38, chr1:8,359,916, plus strand): 5'-GCTCAGCCTCGCGCTTGGCCTTCTCAATGGCCTCCTCCCTCTTCTTGGCCAGCTTGGACC[C>A]GGCCAGAGGCATGAAGTACAGGTCTGTCCGGGCACACGAGTTGTAGCCCCGGTCCAGGTG-3'
Protein context (NP_001036146.1, residues 1146-1166): RTDLYFMPLA[Gly1156Trp]SKLAKKREEA